The following is an entry in ClinVar:

NM_020988.3(GNAO1):c.723+4020A>G

Gene: GNAO1 (G protein subunit alpha o1; plus strand). Cytogenetic location: 16q13.
Variant type: single nucleotide variant.
Coding change: c.723+4020A>G on transcript NM_020988.3 (MANE Select); 4020 bases into the intron after coding-DNA position 723, A replaced by G.
Molecular consequence: intron variant. On other transcripts: missense variant (1).
Genome position (GRCh38, 1-based): chr16:56,340,880, A>G. VCF-style: chr16-56340880-A-G. GRCh37 (hg19) VCF-style: chr16-56374792-A-G.
Other names: c.770A>G, p.Asn257Ser (NM_138736.3); short protein forms N257S.
Identifiers: ClinVar variation 585943 (VCV000585943.17), dbSNP rs143576848, ClinGen allele CA8063873.

ClinVar aggregate classification (germline): Benign/Likely benign. Review status: criteria provided, multiple submitters, no conflicts (2 of 4 stars). 5 submissions from 5 submitters: Benign (1); Likely benign (4). Last evaluated 2026-08-20.

Conditions:
GNAO1-related disorder. Also called: GNAO1-related condition; GNAO1-Related Disorders. Identifiers: MedGen CN381308.
Inborn genetic diseases. Identifiers: MedGen C0950123, MeSH D030342.

Allele frequency attached by ClinVar (database versions not stated): gnomAD 0.00011; gnomAD exomes 0.00011 and 0.00017; TOPMed 0.00012; ExAC 0.00018; 1000 Genomes Project 0.00020; ESP Exome Variant Server 0.00023; 1000 Genomes Project 30x 0.00031.
gnomAD v4.1: 183 of 1,614,096 alleles (0.011%); highest among the groups gnomAD compares: Admixed American, 0.017%; 1 homozygote.

Submissions (5):

PreventionGenetics, part of Exact Sciences
Classification: Likely benign for GNAO1-related condition. Last evaluated: 2026-08-20. Review status: criteria provided, single submitter. Criteria: ACMG Guidelines, 2015. Collection method: clinical testing. Allele origin: germline.
Comment: This variant is classified as likely benign based on ACMG/AMP sequence variant interpretation guidelines (Richards et al. 2015 PMID: 25741868, with internal and published modifications).

CeGaT Center for Human Genetics Tuebingen
Classification: Likely benign. Last evaluated: 2025-05-01. Review status: criteria provided, single submitter. Criteria: CeGaT Center For Human Genetics Tuebingen Variant Classification Criteria Version 2. Collection method: clinical testing. Allele origin: germline. Affected: yes. Observed: 1 variant allele.
Comment: GNAO1: BS1

Blueprint Genetics
Classification: Likely benign. Last evaluated: 2024-07-17. Review status: criteria provided, single submitter. Criteria: ACMG Guidelines, 2015. Collection method: clinical testing. Allele origin: germline.

Ambry Genetics
Classification: Likely benign for Inborn genetic diseases. Last evaluated: 2021-09-24. Review status: criteria provided, single submitter. Criteria: Ambry Variant Classification Scheme 2023. Collection method: clinical testing. Allele origin: germline.

Athena Diagnostics
Classification: Benign. Last evaluated: 2017-11-20. Review status: criteria provided, single submitter. Criteria: Athena Diagnostics Criteria. Collection method: clinical testing. Allele origin: germline.